The following is an entry in ClinVar:

ClinVar aggregate classification (germline): Likely pathogenic. Review status: reviewed by expert panel (3 of 4 stars). 2 submissions from 2 submitters: Likely pathogenic (1). 1 of the submissions does not count toward it. Last evaluated 2026-10-05.

Conditions:
Hereditary thrombocytopenia and hematological cancer predisposition syndrome associated with RUNX1. Also called: PLATELET DISORDER, ASPIRIN-LIKE; Familial Platelet Disorder with Propensity to Acute Myelogenous Leukemia; Familial thrombocytopenia with propensity to acute myelogenous leukemia; RUNX1 Familial Platelet Disorder with Associated Myeloid Malignancies. Identifiers: Orphanet 71290, MedGen C1832388, MeSH C563324, MONDO:0100083, OMIM 601399.
Hereditary thrombocytopenia and hematologic cancer predisposition syndrome. Identifiers: Orphanet 71290, MedGen CN281654, MONDO:0011071.

Submissions (2):

ClinGen Myeloid Malignancy Variant Curation Expert Panel
Classification: Likely pathogenic for Hereditary thrombocytopenia and hematologic cancer predisposition syndrome. Last evaluated: 2026-10-05. Review status: reviewed by expert panel. Criteria: ClinGen MyeloMalig ACMG Specifications V3.1. Collection method: curation. Allele origin: germline. Inheritance: Autosomal dominant inheritance.
Comment: NM_001754.5(RUNX1):c.1210del (p.His404ThrfsTer?) is a frameshift variant which is not predicted to undergo NMD (PVS1_Strong). This variant is downstream of c.98 (PM5_Supporting) and is completely absent from all population databases with at least 20x coverage for RUNX1 (PM2_Supporting). In summary, this variant meets criteria to be classified as likely pathogenic. ACMG/AMP criteria applied, as specified by the ClinGen Myeloid Malignancy Variant Curation Expert Panel for RUNX1: PVS1_Strong, PM5_Supporting, PM2_Supporting.

Labcorp Genetics (formerly Invitae), Labcorp
Classification: Likely pathogenic for Hereditary thrombocytopenia and hematological cancer predisposition syndrome associated with RUNX1. Last evaluated: 2023-06-27. Review status: criteria provided, single submitter. Criteria: Invitae Variant Classification Sherloc (09022015). Collection method: clinical testing. Allele origin: germline. Not counted in ClinVar's aggregate classification.
Comment: In summary, the currently available evidence indicates that the variant is pathogenic, but additional data are needed to prove that conclusively. Therefore, this variant has been classified as Likely Pathogenic. This variant disrupts a region of the RUNX1 protein in which other variant(s) (p.Tyr414*) have been determined to be pathogenic (PMID: 14504086, 15749889, 22689681, 23753029). This suggests that this is a clinically significant region of the protein, and that variants that disrupt it are likely to be disease-causing. This variant has not been reported in the literature in individuals affected with RUNX1-related conditions. This variant is not present in population databases (gnomAD no frequency). This sequence change results in a frameshift in the RUNX1 gene (p.His404Thrfs*190). While this is not anticipated to result in nonsense mediated decay, it is expected to disrupt the last 77 amino acid(s) of the RUNX1 protein and extend the protein by 112 additional amino acid residues.

Literature cited by the submitters: PubMed 14504086 (cited by Labcorp Genetics (formerly Invitae), Labcorp); PubMed 15749889 (cited by Labcorp Genetics (formerly Invitae), Labcorp); PubMed 22689681 (cited by Labcorp Genetics (formerly Invitae), Labcorp); PubMed 23753029 (cited by Labcorp Genetics (formerly Invitae), Labcorp).

NM_001754.5(RUNX1):c.1210del (p.His404fs)

Gene: RUNX1 (RUNX family transcription factor 1; minus strand). Cytogenetic location: 21q22.12.
Variant type: Deletion.
Coding change: c.1210del on transcript NM_001754.5 (MANE Select); coding-DNA position 1210, one base deleted (C; older notation c.1210delC).
Protein change: p.His404fs; shifts the reading frame from histidine 404.
Molecular consequence: frameshift variant.
Genome position (GRCh38, 1-based): chr21:34,792,368, G deleted on the plus strand (C on the coding strand, the reverse complement: RUNX1 is on the minus strand); the first of 2 consecutive G bases (chr21:34,792,368-34,792,369); deleting either gives the same sequence. VCF-style (leftmost placement, unchanged base first): chr21-34792367-TG-T. GRCh37 (hg19) VCF-style: chr21-36164664-TG-T.
Other names: NM_001754.5(RUNX1):c.1210del; p.His404fs; c.1129del, p.His377fs (NM_001001890.3); short protein forms H377fs, H404fs.
Identifiers: ClinVar variation 2730693 (VCV002730693.5), dbSNP rs2516819257, ClinGen allele CA2697547489.